The following is an entry in ClinVar:

NM_001367624.2(ZNF469):c.11204G>A (p.Ser3735Asn)

Gene: ZNF469 (zinc finger protein 469; plus strand). Cytogenetic location: 16q24.2.
Variant type: single nucleotide variant.
Coding change: c.11204G>A on transcript NM_001367624.2 (MANE Select); coding-DNA position 11204, G replaced by A.
Protein change: p.Ser3735Asn; replaces serine 3735 with asparagine.
Molecular consequence: missense variant.
Genome position (GRCh38, 1-based): chr16:88,438,674, G>A. VCF-style: chr16-88438674-G-A. GRCh37 (hg19) VCF-style: chr16-88505082-G-A.
Other names: short protein forms S3735N.
Identifiers: ClinVar variation 3628172 (VCV003628172.2).

ClinVar aggregate classification (germline): Uncertain significance (1 of 4 stars; one submission).

Submission:

Labcorp Genetics (formerly Invitae), Labcorp
Classification: Uncertain significance. Last evaluated: 2024-11-12. Review status: criteria provided, single submitter. Criteria: Invitae Variant Classification Sherloc (09022015). Collection method: clinical testing. Allele origin: germline.
Comment: This sequence change replaces serine, which is neutral and polar, with asparagine, which is neutral and polar, at codon 3707 of the ZNF469 protein (p.Ser3707Asn). This variant is not present in population databases (gnomAD no frequency). This variant has not been reported in the literature in individuals affected with ZNF469-related conditions. An algorithm developed to predict the effect of missense changes on protein structure and function outputs the following: PolyPhen-2: "Benign". The asparagine amino acid residue is found in multiple mammalian species, which suggests that this missense change does not adversely affect protein function. In summary, the available evidence is currently insufficient to determine the role of this variant in disease. Therefore, it has been classified as a Variant of Uncertain Significance.